The following is an entry in ClinVar:

NM_000143.4(FH):c.327T>G (p.Asp109Glu)

Gene: FH (fumarate hydratase; minus strand). Cytogenetic location: 1q43.
Variant type: single nucleotide variant.
Coding change: c.327T>G on transcript NM_000143.4 (MANE Select); coding-DNA position 327, T replaced by G.
Protein change: p.Asp109Glu; replaces aspartic acid 109 with glutamic acid.
Molecular consequence: missense variant.
Genome position (GRCh38, 1-based): chr1:241,513,654, A>C on the plus strand (T>G on the coding strand, the complement: FH is on the minus strand). VCF-style: chr1-241513654-A-C. GRCh37 (hg19) VCF-style: chr1-241676954-A-C.
Other names: short protein forms D109E.
Identifiers: ClinVar variation 663080 (VCV000663080.12), dbSNP rs757312078, ClinGen allele CA1478714.

ClinVar aggregate classification (germline): Conflicting classifications of pathogenicity. Review status: criteria provided, conflicting classifications (1 of 4 stars). 4 submissions from 4 submitters: Uncertain significance (2); Likely benign (1). 1 of the submissions does not count toward it. Last evaluated 2024-10-28.

Conditions:
Hereditary cancer-predisposing syndrome. Also called: Neoplastic Syndromes, Hereditary; Hereditary neoplastic syndrome; Tumor predisposition; Hereditary Cancer Syndrome. Identifiers: Orphanet 140162, MedGen C0027672, MeSH D009386, MONDO:0015356.
Fumarase deficiency (FMRD). Also called: Fumaric aciduria; Fumarate Hydratase Deficiency. Identifiers: Orphanet 24, MedGen C0342770, MONDO:0011730, OMIM 606812.

Allele frequency attached by ClinVar (database versions not stated): TOPMed below 0.00001; ExAC 0.00001; gnomAD 0.00001; gnomAD exomes 0.00001 and 0.00002.
gnomAD v4.1: 13 of 1,614,032 alleles (0.00081%); highest among the groups gnomAD compares: Non-Finnish European, 0.00076%; no homozygotes.

Submissions (4):

Labcorp Genetics (formerly Invitae), Labcorp
Classification: Uncertain significance. Last evaluated: 2024-10-28. Review status: criteria provided, single submitter. Criteria: Invitae Variant Classification Sherloc (09022015). Collection method: clinical testing. Allele origin: germline.
Comment: This sequence change replaces aspartic acid, which is acidic and polar, with glutamic acid, which is acidic and polar, at codon 109 of the FH protein (p.Asp109Glu). This variant is present in population databases (rs757312078, gnomAD 0.009%). This variant has not been reported in the literature in individuals affected with FH-related conditions. ClinVar contains an entry for this variant (Variation ID: 663080). Invitae Evidence Modeling of protein sequence and biophysical properties (such as structural, functional, and spatial information, amino acid conservation, physicochemical variation, residue mobility, and thermodynamic stability) indicates that this missense variant is not expected to disrupt FH protein function with a negative predictive value of 95%. In summary, the available evidence is currently insufficient to determine the role of this variant in disease. Therefore, it has been classified as a Variant of Uncertain Significance.

Ambry Genetics
Classification: Likely benign for Hereditary cancer-predisposing syndrome. Last evaluated: 2024-01-31. Review status: criteria provided, single submitter. Criteria: Ambry Variant Classification Scheme 2023. Collection method: clinical testing. Allele origin: germline.

Institute for Clinical Genetics, University Hospital TU Dresden, University Hospital TU Dresden
Classification: Uncertain significance. Last evaluated: 2021-11-03. Review status: criteria provided, single submitter. Criteria: ACMG Guidelines, 2015. Collection method: clinical testing. Allele origin: germline.

Natera, Inc.
Classification: Uncertain significance for Fumarase deficiency. Last evaluated: 2020-09-16. Review status: no assertion criteria provided. Collection method: clinical testing. Allele origin: germline. Not counted in ClinVar's aggregate classification.